The following is an entry in ClinVar:

ClinVar aggregate classification (germline): Pathogenic/Likely pathogenic. Review status: criteria provided, multiple submitters, no conflicts (2 of 4 stars). 8 submissions from 8 submitters: Pathogenic (3); Likely pathogenic (3). 2 of the submissions do not count toward it. Last evaluated 2026-09-21.

Conditions:
Sponastrime dysplasia. Also called: SPONDYLAR AND NASAL ALTERATIONS WITH STRIATED METAPHYSES. Identifiers: Orphanet 93357, MedGen C1300260, MONDO:0010068, OMIM 271510.
TONSL-related disorder. Also called: TONSL-related condition.
Inborn genetic diseases. Identifiers: MedGen C0950123, MeSH D030342.

Allele frequency attached by ClinVar (database versions not stated): gnomAD 0.00001 and 0.00002; TOPMed 0.00001; ExAC 0.00010; 1000 Genomes Project 0.00020; 1000 Genomes Project 30x 0.00031.
gnomAD v4.1: 58 of 1,419,696 alleles (0.0041%); highest among the groups gnomAD compares: South Asian, 0.049%; no homozygotes.

Submissions (8):

Kasturba Medical College, Manipal, Kasturba Medical College, Manipal, Manipal Academy of Higher Education, Manipal, India
Classification: Likely pathogenic for Sponastrime dysplasia. Last evaluated: 2026-09-21. Review status: criteria provided, single submitter. Criteria: ACMG Guidelines, 2015. Collection method: clinical testing. Allele origin: inherited. Inheritance: Autosomal recessive inheritance. Affected: yes.
Comment: This variant is present in 58 individuals in heterozygous state and absent in homozygous state in gnomAD (v4.1.1) population database. The same variant is present in 11 individuals in heterozygous state and absent in homozygous state in our in-house database of 4415 individuals. In silico prediction tools (CADD_Phred, REVEL, MutationTaster, ClinPred) are consistent in predicting the variant to be damaging to the TONSL protein function.

Labcorp Genetics (formerly Invitae), Labcorp
Classification: Pathogenic. Last evaluated: 2025-02-13. Review status: criteria provided, single submitter. Criteria: Invitae Variant Classification Sherloc (09022015). Collection method: clinical testing. Allele origin: germline.
Comment: This sequence change replaces glutamic acid, which is acidic and polar, with lysine, which is basic and polar, at codon 487 of the TONSL protein (p.Glu487Lys). This variant is present in population databases (rs563710728, gnomAD 0.06%). This missense change has been observed in individual(s) with sponastrime dysplasia (PMID: 30773277, 30773278). In at least one individual the data is consistent with being in trans (on the opposite chromosome) from a pathogenic variant. ClinVar contains an entry for this variant (Variation ID: 638062). Invitae Evidence Modeling of protein sequence and biophysical properties (such as structural, functional, and spatial information, amino acid conservation, physicochemical variation, residue mobility, and thermodynamic stability) indicates that this missense variant is expected to disrupt TONSL protein function with a positive predictive value of 80%. Algorithms developed to predict the effect of sequence changes on RNA splicing suggest that this variant may create or strengthen a splice site. For these reasons, this variant has been classified as Pathogenic.

Ambry Genetics
Classification: Pathogenic for Inborn genetic diseases. Last evaluated: 2024-09-03. Review status: criteria provided, single submitter. Criteria: Ambry Variant Classification Scheme 2023. Collection method: clinical testing. Allele origin: germline.
Comment: The c.1459G>A (p.E487K) alteration is located in exon 11 (coding exon 11) of the TONSL gene. This alteration results from a G to A substitution at nucleotide position 1459, causing the glutamic acid (E) at amino acid position 487 to be replaced by a lysine (K). Based on data from gnomAD, the A allele has an overall frequency of 0.008% (20/243660) total alleles studied. The highest observed frequency was 0.056% (17/30414) of South Asian alleles. This variant has been identified in conjunction with other TONSL variants in individuals with disproportionate short stature, vertebral anomalies, orthopedic abnormalities, and other clinical features consistent with TONSL-related spondyloepimetaphyseal dysplasia; in at least one instance, the variants were identified in trans (Burrage, 2019; Chang, 2019). This nucleotide position is highly conserved in available vertebrate species. In silico splice site analysis predicts that this alteration may result in the creation or strengthening of a novel splice donor site. Based on the available evidence, this alteration is classified as pathogenic.

Blueprint Genetics
Classification: Likely pathogenic for TONSL-related disorders. Last evaluated: 2023-10-19. Review status: criteria provided, single submitter. Criteria: ACMG Guidelines, 2015. Collection method: clinical testing. Allele origin: germline. Affected: yes. Observed: 5 variant alleles.

Revvity Omics, Revvity
Classification: Pathogenic for Sponastrime dysplasia. Last evaluated: 2023-07-19. Review status: criteria provided, single submitter. Criteria: ACMG Guidelines, 2015. Collection method: clinical testing. Allele origin: germline.

Neuberg Centre For Genomic Medicine, NCGM
Classification: Likely pathogenic for Sponastrime dysplasia. Last evaluated: 2023-06-22. Review status: criteria provided, single submitter. Criteria: ACMG Guidelines, 2015. Collection method: clinical testing. Allele origin: germline. Inheritance: Autosomal recessive inheritance. Affected: yes.
Comment: The missense c.1459G>A (p.Glu487Lys) variant in TONSL gene has been reported previously in compound heterozygous state in multiple individuals affected with sponastrime dysplasia (Burrage et al., 2019; Chang et al., 2019). The p.Glu487Lys variant is present with allele frequency of 0.008% in gnomAD Exomes. This variant has been submitted to the ClinVar database as Uncertain Significance/ Pathogenic/ Likely Pathogenic. Computational evidence (Polyphen - Probably Damaging, SIFT - Tolerated and MutationTaster - Disease causing) predicts conflicting evidence on protein structure and function for this variant. The reference amino acid at this position in TONSL is predicted as conserved by GERP++ and PhyloP across 100 vertebrates. The amino acid Glu at position 487 is changed to a Lys changing protein sequence and it might alter its composition and physico-chemical properties. However, additional functional studies will be required to prove the pathogenicity of this variant. For these reasons, this variant has been classified as Likely Pathogenic.

OMIM
Classification: Pathogenic for SPONDYLOEPIMETAPHYSEAL DYSPLASIA, SPONASTRIME TYPE. Last evaluated: 2019-07-24. Review status: no assertion criteria provided. Collection method: literature only. Allele origin: germline. Not counted in ClinVar's aggregate classification.

University of Washington Center for Mendelian Genomics, University of Washington
Classification: Likely pathogenic for Sponastrime Dysplasia. Review status: no assertion criteria provided. Collection method: research. Allele origin: inherited. Affected: yes. Not counted in ClinVar's aggregate classification.

Literature cited by the submitters: PubMed 30773278 (cited by 4 submitters); PubMed 30773277 (cited by 5 submitters); PubMed 32959051 (cited by Kasturba Medical College, Manipal, Kasturba Medical College, Manipal, Manipal Academy of Higher Education, Manipal, India).

NM_013432.5(TONSL):c.1459G>A (p.Glu487Lys)

Gene: TONSL (tonsoku like, DNA repair protein; minus strand). Cytogenetic location: 8q24.3.
Variant type: single nucleotide variant.
Coding change: c.1459G>A on transcript NM_013432.5 (MANE Select); coding-DNA position 1459, G replaced by A.
Protein change: p.Glu487Lys; replaces glutamic acid 487 with lysine.
Molecular consequence: missense variant.
Genome position (GRCh38, 1-based): chr8:144,440,042, C>T on the plus strand (G>A on the coding strand, the complement: TONSL is on the minus strand). VCF-style: chr8-144440042-C-T. GRCh37 (hg19) VCF-style: chr8-145665425-C-T.
Other names: TONSL, GLU487LYS (rs563710728); c.[1459G>A] (NM_013432.4); short protein forms E487K.
Identifiers: ClinVar variation 638062 (VCV000638062.21), dbSNP rs563710728, ClinGen allele CA4943226.
Genomic context (GRCh38, chr8:144,440,042, plus strand): 5'-AGCAGGCCCAGGGAAATGCAAGGTGCCGCTGGCCCTCACCGCCCTCTGAGAGCTCCACCT[C>T]GCCGGCCTCCAGGGCTTCGCTCTCCGCTGTGGCTGCCGCCTCCTCCGCCTCCTCCTCCTC-3'
Protein context (NP_038460.4, residues 477-497): TAESEALEAG[Glu487Lys]VELSEGEDDT